The following is an entry in ClinVar:

NM_138694.4(PKHD1):c.448+1G>A

Gene: PKHD1 (PKHD1 ciliary IPT domain containing fibrocystin/polyductin; minus strand). Cytogenetic location: 6p12.2.
Variant type: single nucleotide variant.
Coding change: c.448+1G>A on transcript NM_138694.4 (MANE Select); the canonical splice donor site of the intron after coding-DNA position 448, G replaced by A.
Molecular consequence: splice donor variant.
Genome position (GRCh38, 1-based): chr6:52,076,275, C>T on the plus strand (G>A on the coding strand, the complement: PKHD1 is on the minus strand). VCF-style: chr6-52076275-C-T. GRCh37 (hg19) VCF-style: chr6-51941073-C-T.
Other names: c.448+1G>A (NM_170724.3).
Identifiers: ClinVar variation 5003766 (VCV005003766.1).

ClinVar aggregate classification (germline): Likely pathogenic (1 of 4 stars; one submission).

Conditions:
Polycystic kidney disease 4 (PKD4). Also called: POLYCYSTIC KIDNEY AND HEPATIC DISEASE 1; POLYCYSTIC KIDNEY DISEASE, INFANTILE, TYPE I; PKD3; Autosomal Recessive Polycystic Kidney Disease – PKHD1; POLYCYSTIC KIDNEY DISEASE 4 WITH OR WITHOUT POLYCYSTIC LIVER DISEASE. Identifiers: MedGen C4540575, MONDO:0033004, OMIM 263200.

Submission:

Myriad Genetics, Inc.
Classification: Likely pathogenic for Polycystic kidney disease 4. Last evaluated: 2026-01-13. Review status: criteria provided, single submitter. Criteria: Myriad Autosomal Dominant, Autosomal Recessive and X-Linked Classification Criteria (2023). Collection method: clinical testing. Allele origin: unknown.
Comment: NM_138694.3(PKHD1):c.448+1G>A is a variant in a canonical splice site classified as likely pathogenic in the context of autosomal recessive polycystic kidney disease, PKHD1-related. c.448+1G>A has not been observed in cases with relevant disease. Relevant functional assessments of this variant are not available in the literature. c.448+1G>A has not been observed in referenced population frequency databases. In summary, NM_138694.3(PKHD1):c.448+1G>A is a variant in a canonical splice site in a gene where loss of function is a known mechanism of disease and is predicted to disrupt protein function. Please note: this variant was assessed in the context of healthy population screening.